The following is an entry in ClinVar:

ClinVar aggregate classification (germline): Pathogenic (1 of 4 stars; one submission).

Conditions:
Retinoblastoma (RB1). Also called: RETINOBLASTOMA, SOMATIC. Identifiers: Orphanet 790, MedGen C0035335, MeSH D012175, MONDO:0008380, OMIM 180200, HP:0009919. Disease mechanism: loss of function. Inheritance: Both sporadic and heritable forms are tested..

Submission:

Genetic Diagnostic Laboratory, University of Pennsylvania School of Medicine
Classification: Pathogenic for Retinoblastoma. Last evaluated: 2024-05-20. Review status: criteria provided, single submitter. Criteria: ACMG Guidelines, 2015. Collection method: clinical testing. Allele origin: germline. Affected: yes. Observed: 1 variant allele.
Comment: Case and Pedigree Information: BILATERAL CASES:1, UNILATERAL CASES:0, TOTAL CASES:1, PEDIGREES:1. ACMG Codes Applied:PVS1, PM2, PP5

NM_000321.3(RB1):c.1190C>G (p.Ser397Ter)

Gene: RB1 (RB transcriptional corepressor 1; plus strand). Cytogenetic location: 13q14.2.
Variant type: single nucleotide variant.
Coding change: c.1190C>G on transcript NM_000321.3 (MANE Select); coding-DNA position 1190, C replaced by G.
Protein change: p.Ser397Ter; replaces serine 397 with a stop codon.
Molecular consequence: nonsense.
Genome position (GRCh38, 1-based): chr13:48,373,467, C>G. VCF-style: chr13-48373467-C-G. GRCh37 (hg19) VCF-style: chr13-48947603-C-G.
Other names: c.1190C>G, p.Ser397Ter (NM_001407165.1, NM_001407166.1); short protein forms S397*.
Identifiers: ClinVar variation 3236960 (VCV003236960.1), dbSNP rs2138131253.